The following is an entry in ClinVar:

NM_000245.4(MET):c.2221G>A (p.Asp741Asn)

Gene: MET (MET proto-oncogene, receptor tyrosine kinase; plus strand). Cytogenetic location: 7q31.2.
Variant type: single nucleotide variant.
Coding change: c.2221G>A on transcript NM_000245.4 (MANE Select); coding-DNA position 2221, G replaced by A.
Protein change: p.Asp741Asn; replaces aspartic acid 741 with asparagine.
Molecular consequence: missense variant.
Genome position (GRCh38, 1-based): chr7:116,758,577, G>A. VCF-style: chr7-116758577-G-A. GRCh37 (hg19) VCF-style: chr7-116398631-G-A.
Other names: c.2221G>A, p.Asp741Asn (NM_001127500.3, NM_001324401.3); c.931G>A, p.Asp311Asn (NM_001324402.2); short protein forms D741N, D311N.
Identifiers: ClinVar variation 820920 (VCV000820920.7), dbSNP rs1318406399, ClinGen allele CA368980772.

ClinVar aggregate classification (germline): Uncertain significance. Review status: criteria provided, multiple submitters, no conflicts (2 of 4 stars). 2 submissions from 2 submitters: Uncertain significance (2). Last evaluated 2024-10-15.

Conditions:
Renal cell carcinoma. Identifiers: Orphanet 217071, MedGen C0007134, MeSH D002292, MONDO:0005086, HP:0005584.
Hereditary cancer-predisposing syndrome. Also called: Neoplastic Syndromes, Hereditary; Tumor predisposition; Hereditary Cancer Syndrome; Hereditary neoplastic syndrome. Identifiers: Orphanet 140162, MedGen C0027672, MeSH D009386, MONDO:0015356.

Submissions (2):

Labcorp Genetics (formerly Invitae), Labcorp
Classification: Uncertain significance for Renal cell carcinoma. Last evaluated: 2024-10-15. Review status: criteria provided, single submitter. Criteria: Invitae Variant Classification Sherloc (09022015). Collection method: clinical testing. Allele origin: germline.
Comment: This sequence change replaces aspartic acid, which is acidic and polar, with asparagine, which is neutral and polar, at codon 741 of the MET protein (p.Asp741Asn). This variant is not present in population databases (gnomAD no frequency). This variant has not been reported in the literature in individuals affected with MET-related conditions. ClinVar contains an entry for this variant (Variation ID: 820920). Invitae Evidence Modeling of protein sequence and biophysical properties (such as structural, functional, and spatial information, amino acid conservation, physicochemical variation, residue mobility, and thermodynamic stability) indicates that this missense variant is not expected to disrupt MET protein function with a negative predictive value of 80%. In summary, the available evidence is currently insufficient to determine the role of this variant in disease. Therefore, it has been classified as a Variant of Uncertain Significance.

Ambry Genetics
Classification: Uncertain significance for Hereditary cancer-predisposing syndrome. Last evaluated: 2024-06-27. Review status: criteria provided, single submitter. Criteria: Ambry Variant Classification Scheme 2023. Collection method: clinical testing. Allele origin: germline.
Comment: The p.D741N variant (also known as c.2221G>A), located in coding exon 8 of the MET gene, results from a G to A substitution at nucleotide position 2221. The aspartic acid at codon 741 is replaced by asparagine, an amino acid with highly similar properties. This amino acid position is well conserved in available vertebrate species. In addition, this alteration is predicted to be tolerated by in silico analysis. Based on the available evidence, the clinical significance of this variant remains unclear.